The following is an entry in ClinVar:

ClinVar aggregate classification (germline): Uncertain significance. Review status: criteria provided, multiple submitters, no conflicts (2 of 4 stars). 2 submissions from 2 submitters: Uncertain significance (2). Last evaluated 2026-01-31.

gnomAD v4.1: 1 of 1,613,838 alleles (0.000062%); highest among the groups gnomAD compares: Non-Finnish European, 0.000085%; no homozygotes.

Submissions (2):

Labcorp Genetics (formerly Invitae), Labcorp
Classification: Uncertain significance. Last evaluated: 2026-01-31. Review status: criteria provided, single submitter. Criteria: Invitae Variant Classification Sherloc (09022015). Collection method: clinical testing. Allele origin: germline.
Comment: This sequence change falls in intron 8 of the ALPL gene. It does not directly change the encoded amino acid sequence of the ALPL protein. It affects a nucleotide within the consensus splice site. This variant is not present in population databases (gnomAD no frequency). This variant has not been reported in the literature in individuals affected with ALPL-related conditions. ClinVar contains an entry for this variant (Variation ID: 1389248). Variants that disrupt the consensus splice site are a relatively common cause of aberrant splicing (PMID: 17576681, 9536098). Algorithms developed to predict the effect of sequence changes on RNA splicing suggest that this variant is not likely to affect RNA splicing. In summary, the available evidence is currently insufficient to determine the role of this variant in disease. Therefore, it has been classified as a Variant of Uncertain Significance.

Women's Health and Genetics/Laboratory Corporation of America, LabCorp
Classification: Uncertain significance. Last evaluated: 2024-12-16. Review status: criteria provided, single submitter. Criteria: LabCorp Variant Classification Summary - May 2015. Collection method: clinical testing. Allele origin: germline.
Comment: Variant summary: ALPL c.862+4A>G alters a conserved nucleotide located close to a canonical splice site and therefore could affect mRNA splicing, leading to a significantly altered protein sequence. Several computational tools predict a significant impact on normal splicing: Four predict the variant weakens a 5' donor site. Three predict the variant creates a 3' acceptor site. However, these predictions have yet to be confirmed by functional studies. The variant was absent in 250756 control chromosomes. The available data on variant occurrences in the general population are insufficient to allow any conclusion about variant significance. To our knowledge, no occurrence of c.862+4A>G in individuals affected with Hypophosphatasia and no experimental evidence demonstrating its impact on protein function have been reported. ClinVar contains an entry for this variant (Variation ID: 1389248). Based on the evidence outlined above, the variant was classified as uncertain significance.

Literature cited by the submitters: PubMed 17576681 (cited by Labcorp Genetics (formerly Invitae), Labcorp); PubMed 9536098 (cited by Labcorp Genetics (formerly Invitae), Labcorp).

NM_000478.6(ALPL):c.862+4A>G

Gene: ALPL (alkaline phosphatase, biomineralization associated; plus strand). Cytogenetic location: 1p36.12.
Variant type: single nucleotide variant.
Coding change: c.862+4A>G on transcript NM_000478.6 (MANE Select); 4 bases into the intron after coding-DNA position 862, A replaced by G.
Molecular consequence: intron variant.
Genome position (GRCh38, 1-based): chr1:21,570,378, A>G. VCF-style: chr1-21570378-A-G. GRCh37 (hg19) VCF-style: chr1-21896871-A-G.
Other names: c.862+4A>G (NM_001369805.2, NM_001369804.2, NM_001369803.2); c.697+4A>G (NM_001127501.4); c.631+4A>G (NM_001177520.3).
Identifiers: ClinVar variation 1389248 (VCV001389248.7), dbSNP rs2148177101, ClinGen allele CA2573130507.